The following is an entry in ClinVar:

ClinVar aggregate classification (germline): Uncertain significance (1 of 4 stars; one submission).

Allele frequency attached by ClinVar (database versions not stated): ExAC 0.00001; gnomAD 0.00001.

Submission:

Ambry Genetics
Classification: Uncertain significance. Last evaluated: 2024-11-13. Review status: criteria provided, single submitter. Criteria: Ambry Variant Classification Scheme 2023. Collection method: clinical testing. Allele origin: germline.
Comment: The p.P187L variant (also known as c.560C>T), located in coding exon 1 of the EGLN1 gene, results from a C to T substitution at nucleotide position 560. The proline at codon 187 is replaced by leucine, an amino acid with similar properties. This amino acid position is conserved. In addition, this alteration is predicted to be tolerated by in silico analysis. Since supporting evidence is limited at this time, the clinical significance of this alteration remains unclear.

NM_022051.3(EGLN1):c.560C>T (p.Pro187Leu)

Gene: EGLN1 (egl-9 family hypoxia inducible factor 1; minus strand). Cytogenetic location: 1q42.2.
Variant type: single nucleotide variant.
Coding change: c.560C>T on transcript NM_022051.3 (MANE Select); coding-DNA position 560, C replaced by T.
Protein change: p.Pro187Leu; replaces proline 187 with leucine.
Molecular consequence: missense variant.
Genome position (GRCh38, 1-based): chr1:231,421,329, G>A on the plus strand (C>T on the coding strand, the complement: EGLN1 is on the minus strand). VCF-style: chr1-231421329-G-A. GRCh37 (hg19) VCF-style: chr1-231557075-G-A.
Other names: c.560C>T, p.Pro187Leu (NM_001377260.1, NM_001377261.1); short protein forms P187L.
Identifiers: ClinVar variation 1748621 (VCV001748621.3), dbSNP rs770821731, ClinGen allele CA1453144.